The following is an entry in ClinVar:

NM_001752.4(CAT):c.667G>A (p.Val223Ile)

Gene: CAT (catalase; plus strand). Cytogenetic location: 11p13.
Variant type: single nucleotide variant.
Coding change: c.667G>A on transcript NM_001752.4 (MANE Select); coding-DNA position 667, G replaced by A.
Protein change: p.Val223Ile; replaces valine 223 with isoleucine.
Molecular consequence: missense variant.
Genome position (GRCh38, 1-based): chr11:34,453,882, G>A. VCF-style: chr11-34453882-G-A. GRCh37 (hg19) VCF-style: chr11-34475429-G-A.
Other names: short protein forms V223I.
Identifiers: ClinVar variation 4891070 (VCV004891070.1).

ClinVar aggregate classification (germline): Uncertain significance (1 of 4 stars; one submission).

Submission:

Greenwood Genetic Center Diagnostic Laboratories, Greenwood Genetic Center
Classification: Uncertain significance. Last evaluated: 2026-05-12. Review status: criteria provided, single submitter. Criteria: ACMG Guidelines, 2015. Collection method: clinical testing. Allele origin: germline.
Comment: PM2, BP4